The following is an entry in ClinVar:

ClinVar aggregate classification (germline): Uncertain significance. Review status: criteria provided, multiple submitters, no conflicts (2 of 4 stars). 2 submissions from 2 submitters: Uncertain significance (2). Last evaluated 2026-05-13.

Conditions:
BBS10-related disorder. Also called: BBS10-related condition.
Bardet-Biedl syndrome 10 (BBS10). Identifiers: Orphanet 110, MedGen C1859568, MONDO:0014438, OMIM 615987.

Submissions (2):

PreventionGenetics, part of Exact Sciences
Classification: Uncertain significance for BBS10-related condition. Last evaluated: 2026-05-13. Review status: criteria provided, single submitter. Criteria: ACMG Guidelines, 2015. Collection method: clinical testing. Allele origin: germline.
Comment: The BBS10 c.1186T>G variant is predicted to result in the amino acid substitution p.Ser396Ala. To our knowledge, this variant has not been reported in the literature. This variant is reported in 0.011% of alleles in individuals of African descent in gnomAD. At this time, the clinical significance of this variant is uncertain due to the absence of conclusive functional and genetic evidence.

Fulgent Genetics
Classification: Uncertain significance for Bardet-Biedl syndrome 10. Last evaluated: 2024-04-15. Review status: criteria provided, single submitter. Criteria: ACMG Guidelines, 2015. Collection method: clinical testing. Allele origin: germline.

NM_024685.4(BBS10):c.1186T>G (p.Ser396Ala)

Gene: BBS10 (Bardet-Biedl syndrome 10; minus strand). Cytogenetic location: 12q21.2.
Variant type: single nucleotide variant.
Coding change: c.1186T>G on transcript NM_024685.4 (MANE Select); coding-DNA position 1186, T replaced by G.
Protein change: p.Ser396Ala; replaces serine 396 with alanine.
Molecular consequence: missense variant.
Genome position (GRCh38, 1-based): chr12:76,346,799, A>C on the plus strand (T>G on the coding strand, the complement: BBS10 is on the minus strand). VCF-style: chr12-76346799-A-C. GRCh37 (hg19) VCF-style: chr12-76740579-A-C.
Other names: c.1186T>G (NM_024685.3); short protein forms S396A.
Identifiers: ClinVar variation 3575288 (VCV003575288.2).